The following is an entry in ClinVar:

NM_015202.5(KATNIP):c.4572dup (p.Val1525fs)

Gene: KATNIP (katanin interacting protein; plus strand). Cytogenetic location: 16p12.1.
Variant type: Duplication.
Coding change: c.4572dup on transcript NM_015202.5 (MANE Select); coding-DNA position 4572, one base duplicated (T; older notation c.4572dupT).
Protein change: p.Val1525fs; shifts the reading frame from valine 1525.
Molecular consequence: frameshift variant.
Genome position (GRCh38, 1-based): chr16:27,777,630, T duplicated; the last of 2 consecutive T bases (chr16:27,777,629-27,777,630); duplicating either gives the same sequence. VCF-style (leftmost placement, unchanged base first): chr16-27777628-C-CT. GRCh37 (hg19) VCF-style: chr16-27788949-C-CT.
Other names: short protein forms V1525fs.
Identifiers: ClinVar variation 1967693 (VCV001967693.5), dbSNP rs768539360, ClinGen allele CA7978700.

ClinVar aggregate classification (germline): Pathogenic (1 of 4 stars; one submission).

Submission:

Labcorp Genetics (formerly Invitae), Labcorp
Classification: Pathogenic. Last evaluated: 2022-09-05. Review status: criteria provided, single submitter. Criteria: Invitae Variant Classification Sherloc (09022015). Collection method: clinical testing. Allele origin: germline.
Comment: For these reasons, this variant has been classified as Pathogenic. This variant has not been reported in the literature in individuals affected with KIAA0556-related conditions. This variant is present in population databases (rs768539360, gnomAD 0.0009%). This sequence change creates a premature translational stop signal (p.Val1525Cysfs*21) in the KIAA0556 gene. It is expected to result in an absent or disrupted protein product. Loss-of-function variants in KIAA0556 are known to be pathogenic (PMID: 26714646, 27245168).

Literature cited by the submitters: PubMed 26714646; PubMed 27245168.